The following is an entry in ClinVar:

ClinVar aggregate classification (germline): Uncertain significance. Review status: criteria provided, multiple submitters, no conflicts (2 of 4 stars). 2 submissions from 2 submitters: Uncertain significance (2). Last evaluated 2022-09-14.

Conditions:
Amyotrophic lateral sclerosis type 1 (ALS1). Also called: AMYOTROPHIC LATERAL SCLEROSIS 1, FAMILIAL. Identifiers: Orphanet 803, MedGen C1862939, MONDO:0007103, OMIM 105400.
Neuronopathy, distal hereditary motor, type 7B. Also called: NEURONOPATHY, DISTAL HEREDITARY MOTOR, AUTOSOMAL DOMINANT 14; NEURONOPATHY, DISTAL HEREDITARY MOTOR, HARDING TYPE VIIB; NEUROPATHY, DISTAL HEREDITARY MOTOR, HARDING TYPE VIIB; HMN VIIB; LOWER MOTOR NEURON DISEASE, DYNACTIN TYPE; NEUROPATHY, DISTAL HEREDITARY MOTOR, WITH VOCAL CORD PARALYSIS, HARDING TYPE VIIB. Identifiers: Orphanet 139589, MedGen C1843315, MONDO:0011879, OMIM 607641.
Perry syndrome. Also called: PARKINSONISM WITH ALVEOLAR HYPOVENTILATION AND MENTAL DEPRESSION. Identifiers: Orphanet 178509, MedGen C1868594, MONDO:0008201, OMIM 168605.
Inborn genetic diseases. Identifiers: MedGen C0950123, MeSH D030342.

Allele frequency attached by ClinVar (database versions not stated): gnomAD exomes 0.00001; TOPMed 0.00003; ExAC 0.00004; gnomAD 0.00005.
gnomAD v4.1: 27 of 1,612,952 alleles (0.0017%); highest among the groups gnomAD compares: Non-Finnish European, 0.002%; no homozygotes.

Submissions (2):

Labcorp Genetics (formerly Invitae), Labcorp
Classification: Uncertain significance for Amyotrophic lateral sclerosis type 1; Neuronopathy, distal hereditary motor, type 7B; Perry syndrome. Last evaluated: 2022-09-14. Review status: criteria provided, single submitter. Criteria: Invitae Variant Classification Sherloc (09022015). Collection method: clinical testing. Allele origin: germline.
Comment: This sequence change replaces alanine, which is neutral and non-polar, with valine, which is neutral and non-polar, at codon 1099 of the DCTN1 protein (p.Ala1099Val). In summary, the available evidence is currently insufficient to determine the role of this variant in disease. Therefore, it has been classified as a Variant of Uncertain Significance. Advanced modeling of protein sequence and biophysical properties (such as structural, functional, and spatial information, amino acid conservation, physicochemical variation, residue mobility, and thermodynamic stability) performed at Invitae indicates that this missense variant is not expected to disrupt DCTN1 protein function. This variant has not been reported in the literature in individuals affected with DCTN1-related conditions. This variant is present in population databases (rs775022141, gnomAD 0.004%).

Ambry Genetics
Classification: Uncertain significance for Inborn genetic diseases. Last evaluated: 2022-03-22. Review status: criteria provided, single submitter. Criteria: Ambry Variant Classification Scheme 2023. Collection method: clinical testing. Allele origin: germline.
Comment: The p.A1099V variant (also known as c.3296C>T), located in coding exon 28 of the DCTN1 gene, results from a C to T substitution at nucleotide position 3296. The alanine at codon 1099 is replaced by valine, an amino acid with similar properties. This amino acid position is conserved. In addition, this alteration is predicted to be deleterious by in silico analysis. Since supporting evidence is limited at this time, the clinical significance of this alteration remains unclear.

NM_004082.5(DCTN1):c.3296C>T (p.Ala1099Val)

Gene: DCTN1 (dynactin subunit 1; minus strand). Cytogenetic location: 2p13.1.
Variant type: single nucleotide variant.
Coding change: c.3296C>T on transcript NM_004082.5 (MANE Select); coding-DNA position 3296, C replaced by T.
Protein change: p.Ala1099Val; replaces alanine 1099 with valine.
Molecular consequence: missense variant. On other transcripts: non-coding transcript variant (1).
Genome position (GRCh38, 1-based): chr2:74,363,343, G>A on the plus strand (C>T on the coding strand, the complement: DCTN1 is on the minus strand). VCF-style: chr2-74363343-G-A. GRCh37 (hg19) VCF-style: chr2-74590470-G-A.
Other names: c.3221C>T, p.Ala1074Val (NM_001135040.3); c.2879C>T, p.Ala960Val (NM_001135041.3); c.3170C>T, p.Ala1057Val (NM_001190836.2); c.3275C>T, p.Ala1092Val (NM_001190837.2); c.3245C>T, p.Ala1082Val (NM_001378991.1); c.3227C>T, p.Ala1076Val (NM_001378992.1); c.2894C>T, p.Ala965Val (NM_023019.4); short protein forms A965V, A1057V, A1099V, A1076V, A1092V, A1074V, A1082V, A960V.
Identifiers: ClinVar variation 1729888 (VCV001729888.7), dbSNP rs775022141, ClinGen allele CA1721529.